The following is an entry in ClinVar:

NM_000094.4(COL7A1):c.5830C>T (p.Arg1944Trp)

Gene: COL7A1 (collagen type VII alpha 1 chain; minus strand). Cytogenetic location: 3p21.31.
Variant type: single nucleotide variant.
Coding change: c.5830C>T on transcript NM_000094.4 (MANE Select); coding-DNA position 5830, C replaced by T.
Protein change: p.Arg1944Trp; replaces arginine 1944 with tryptophan.
Molecular consequence: missense variant.
Genome position (GRCh38, 1-based): chr3:48,575,893, G>A on the plus strand (C>T on the coding strand, the complement: COL7A1 is on the minus strand). VCF-style: chr3-48575893-G-A. GRCh37 (hg19) VCF-style: chr3-48613326-G-A.
Other names: short protein forms R1944W.
Identifiers: ClinVar variation 2190742 (VCV002190742.4), dbSNP rs527416146, ClinGen allele CA2379290.

ClinVar aggregate classification (germline): Conflicting classifications of pathogenicity. Review status: criteria provided, conflicting classifications (1 of 4 stars). 2 submissions from 2 submitters: Uncertain significance (1); Likely benign (1). Last evaluated 2026-01-06.

Conditions:
Recessive dystrophic epidermolysis bullosa (RDEB). Also called: DYSTROPHIC EPIDERMOLYSIS BULLOSA, AUTOSOMAL RECESSIVE; EPIDERMOLYSIS BULLOSA DYSTROPHICA, HALLOPEAU-SIEMENS TYPE; severe generalized recessive dystrophic epidermolysis bullosa; epidermolysis bullosa dystrophica, autosomal recessive; Recessive DEB (RDEB); Hallopeau-Siemens Disease. Identifiers: Orphanet 79408, Orphanet 79409, MedGen C0079474, MONDO:0009179, OMIM 226600.

Allele frequency attached by ClinVar (database versions not stated): gnomAD 0.00003; ExAC 0.00004; 1000 Genomes Project 30x 0.00031; TOPMed 0.00001; gnomAD exomes 0.00002; 1000 Genomes Project 0.00020.
gnomAD v4.1: 43 of 1,614,092 alleles (0.0027%); highest among the groups gnomAD compares: East Asian, 0.04%; no homozygotes.

Submissions (2):

Labcorp Genetics (formerly Invitae), Labcorp
Classification: Likely benign. Last evaluated: 2026-01-06. Review status: criteria provided, single submitter. Criteria: Invitae Variant Classification Sherloc (09022015). Collection method: clinical testing. Allele origin: germline.

Neuberg Centre For Genomic Medicine, NCGM
Classification: Uncertain significance for Recessive dystrophic epidermolysis bullosa. Review status: criteria provided, single submitter. Criteria: ACMG Guidelines, 2015. Collection method: clinical testing. Allele origin: germline. Inheritance: Autosomal recessive inheritance. Affected: yes.
Comment: The missense variant p.R1944W in COL7A1 (NM_000094.4) has not been reported previously as a pathogenic variant nor as a benign variant, to our knowledge. The p.R1944W variant is observed in 4/34,588 (0.0116%) alleles from individuals of Latino background in gnomAD Exomes and in 1/694 (0.1441%) alleles from individuals of Latino background in 1000 Genomes. In silico predictions are contradictory and the residue is conserved across species. For these reasons, this variant has been classified as Uncertain Significance.